The following is an entry in ClinVar:

NC_000002.11:g.(?_15492096)_(15514864_?)del

Gene: NBAS (NBAS subunit of NRZ tethering complex; minus strand). Cytogenetic location: 2p24.3.
Variant type: Deletion.
Identifiers: ClinVar variation 3247561 (VCV003247561.1).

ClinVar aggregate classification (germline): Pathogenic (1 of 4 stars; one submission).

Submission:

Labcorp Genetics (formerly Invitae), Labcorp
Classification: Pathogenic. Last evaluated: 2022-10-23. Review status: criteria provided, single submitter. Criteria: Invitae Variant Classification Sherloc (09022015). Collection method: clinical testing. Allele origin: unknown.
Comment: For these reasons, this variant has been classified as Pathogenic. This variant has not been reported in the literature in individuals affected with NBAS-related conditions. This variant is a gross deletion of the genomic region encompassing exon(s) 31-35 of the NBAS gene. This deletion is out-of-frame, and is expected to create a premature termination codon and result in an absent or disrupted protein product. Loss-of-function variants in NBAS are known to be pathogenic (PMID: 26073778, 26541327, 27789416, 28031453).

Literature cited by the submitters: PubMed 26073778; PubMed 26541327; PubMed 27789416; PubMed 28031453.